The following is an entry in ClinVar:

ClinVar aggregate classification (germline): Uncertain significance (1 of 4 stars; one submission).

Conditions:
EGFR-related lung cancer (EGFR). Identifiers: MedGen CN130014.

Submission:

Labcorp Genetics (formerly Invitae), Labcorp
Classification: Uncertain significance for EGFR-related lung cancer. Last evaluated: 2026-01-26. Review status: criteria provided, single submitter. Criteria: Invitae Variant Classification Sherloc (09022015). Collection method: clinical testing. Allele origin: germline.
Comment: This sequence change replaces proline, which is neutral and non-polar, with arginine, which is basic and polar, at codon 1088 of the EGFR protein (p.Pro1088Arg). This variant is not present in population databases (gnomAD no frequency). This variant has not been reported in the literature in individuals affected with EGFR-related conditions. An algorithm developed to predict the effect of missense changes on protein structure and function (PolyPhen-2) suggests that this variant is likely to be disruptive. In summary, the available evidence is currently insufficient to determine the role of this variant in disease. Therefore, it has been classified as a Variant of Uncertain Significance.

NM_005228.5(EGFR):c.3263C>G (p.Pro1088Arg)

Gene: EGFR (epidermal growth factor receptor; plus strand). Cytogenetic location: 7p11.2.
Variant type: single nucleotide variant.
Coding change: c.3263C>G on transcript NM_005228.5 (MANE Select); coding-DNA position 3263, C replaced by G.
Protein change: p.Pro1088Arg; replaces proline 1088 with arginine.
Molecular consequence: missense variant.
Genome position (GRCh38, 1-based): chr7:55,202,617, C>G. VCF-style: chr7-55202617-C-G. GRCh37 (hg19) VCF-style: chr7-55270310-C-G.
Other names: c.3128C>G, p.Pro1043Arg (NM_001346897.2, NM_001346899.2); c.3263C>G, p.Pro1088Arg (NM_001346898.2); c.3104C>G, p.Pro1035Arg (NM_001346900.2); c.2462C>G, p.Pro821Arg (NM_001346941.2); short protein forms P1035R, P1043R, P1088R, P821R.
Identifiers: ClinVar variation 4736200 (VCV004736200.1).